The following is an entry in ClinVar:

ClinVar aggregate classification (germline): Pathogenic (1 of 4 stars; one submission).

Conditions:
Genitourinary and/or brain malformation syndrome (GUBS). Also called: PPP1R12A-Related Urogenital and/or Brain Malformation Syndrome. Identifiers: MedGen C5394158, MONDO:0032934, OMIM 618820.

Submission:

Johns Hopkins Genomics, Johns Hopkins University
Classification: Pathogenic for Genitourinary and/or brain malformation syndrome. Last evaluated: 2020-04-05. Review status: criteria provided, single submitter. Criteria: ACMG Guidelines, 2015. Collection method: clinical testing. Allele origin: germline.
Comment: This apparently de novo, nonsense variant results in a premature stop codon in exon 3 likely leading to nonsense-mediated decay and lack of protein production. PPP1R12A c.466C>T is absent from a large population dataset and has not been reported in ClinVar nor the literature, to our knowledge. We consider this variant to be pathogenic.

NM_002480.3(PPP1R12A):c.466C>T (p.Gln156Ter)

Gene: PPP1R12A (protein phosphatase 1 regulatory subunit 12A; minus strand). Cytogenetic location: 12q21.2.
Variant type: single nucleotide variant.
Coding change: c.466C>T on transcript NM_002480.3 (MANE Select); coding-DNA position 466, C replaced by T.
Protein change: p.Gln156Ter; replaces glutamine 156 with a stop codon.
Molecular consequence: nonsense.
Genome position (GRCh38, 1-based): chr12:79,845,323, G>A on the plus strand (C>T on the coding strand, the complement: PPP1R12A is on the minus strand). VCF-style: chr12-79845323-G-A. GRCh37 (hg19) VCF-style: chr12-80239103-G-A.
Other names: c.466C>T, p.Gln156Ter (NM_001143885.2, NM_001244990.2, NM_001244992.1); c.205C>T, p.Gln69Ter (NM_001143886.2); short protein forms Q156*, Q69*.
Identifiers: ClinVar variation 973883 (VCV000973883.1), dbSNP rs1879250715, ClinGen allele CA385836431.